The following is an entry in ClinVar:

NM_001256071.3(RNF213):c.6265C>T (p.Arg2089Trp)

Gene: RNF213 (ring finger protein 213; plus strand). Cytogenetic location: 17q25.3.
Variant type: single nucleotide variant.
Coding change: c.6265C>T on transcript NM_001256071.3 (MANE Select); coding-DNA position 6265, C replaced by T.
Protein change: p.Arg2089Trp; replaces arginine 2089 with tryptophan.
Molecular consequence: missense variant.
Genome position (GRCh38, 1-based): chr17:80,343,938, C>T. VCF-style: chr17-80343938-C-T. GRCh37 (hg19) VCF-style: chr17-78317738-C-T.
Other names: c.6412C>T, p.Arg2138Trp (NM_001410195.1, NM_020914.5); short protein forms R2089W, R2138W.
Identifiers: ClinVar variation 2067233 (VCV002067233.4), dbSNP rs775006151, ClinGen allele CA8820491.

ClinVar aggregate classification (germline): Uncertain significance (1 of 4 stars; one submission).

Allele frequency attached by ClinVar (database versions not stated): ExAC 0.00001; gnomAD 0.00003; TOPMed 0.00001; gnomAD exomes 0.00002.
gnomAD v4.1: 31 of 1,614,026 alleles (0.0019%); highest among the groups gnomAD compares: East Asian, 0.022%; no homozygotes.

Submission:

Labcorp Genetics (formerly Invitae), Labcorp
Classification: Uncertain significance. Last evaluated: 2024-02-23. Review status: criteria provided, single submitter. Criteria: Invitae Variant Classification Sherloc (09022015). Collection method: clinical testing. Allele origin: germline.
Comment: This sequence change replaces arginine, which is basic and polar, with tryptophan, which is neutral and slightly polar, at codon 2089 of the RNF213 protein (p.Arg2089Trp). This variant is present in population databases (rs775006151, gnomAD 0.005%). This missense change has been observed in individual(s) with Moyamoya disease (PMID: 25964206). ClinVar contains an entry for this variant (Variation ID: 2067233). An algorithm developed to predict the effect of missense changes on protein structure and function (PolyPhen-2) suggests that this variant is likely to be disruptive. In summary, the available evidence is currently insufficient to determine the role of this variant in disease. Therefore, it has been classified as a Variant of Uncertain Significance.

Literature cited by the submitters: PubMed 25964206.